The following is an entry in ClinVar:

ClinVar aggregate classification (germline): Uncertain significance (1 of 4 stars; one submission).

Conditions:
LAMA2-related muscular dystrophy (LAMA2-RD). Also called: Laminin alpha 2-related dystrophy. Identifiers: MedGen C5679788, MONDO:0100228.

Submission:

Myriad Genetics, Inc.
Classification: Uncertain significance for LAMA2-related muscular dystrophy. Last evaluated: 2026-04-09. Review status: criteria provided, single submitter. Criteria: Myriad Autosomal Dominant, Autosomal Recessive and X-Linked Classification Criteria (2023). Collection method: clinical testing. Allele origin: unknown.
Comment: NM_000426.3(LAMA2):c.27_29delCCT(L13del) is an in-frame deletion classified as a variant of uncertain significance in the context of muscular dystrophy, LAMA2-related. L13del has not been observed in cases with relevant disease. Relevant functional assessments of this variant are not available in the literature. L13del has not been observed in referenced population frequency databases. In summary, there is insufficient evidence to classify NM_000426.3(LAMA2):c.27_29delCCT(L13del) as pathogenic or benign. Please note: this variant was assessed in the context of healthy population screening.

NM_000426.4(LAMA2):c.21CCT[2] (p.Leu13del)

Gene: LAMA2 (laminin subunit alpha 2; plus strand). Cytogenetic location: 6q22.33.
Variant type: Microsatellite.
Coding change: c.21CCT[2] on transcript NM_000426.4 (MANE Select); two copies in a row of the 3-base unit CCT starting at c.21; the reference has three copies in a row; one copy, 3 bases deleted.
Protein change: p.Leu13del; deletes leucine 13.
Molecular consequence: inframe deletion.
Genome position (GRCh38, 1-based): chr6:128,883,272-128,883,274, CCT deleted; deleting any 3 consecutive bases within chr6:128,883,265-128,883,274 gives the same sequence; the position shown is the placement nearest the transcript's 3' end. VCF-style (leftmost placement, unchanged base first): chr6-128883264-GTCC-G. GRCh37 (hg19) VCF-style: chr6-129204409-GTCC-G.
Other names: c.21CCT[2], p.Leu13del (NM_001079823.2); short protein forms L13del.
Identifiers: ClinVar variation 5004588 (VCV005004588.1).
Genomic context (GRCh38, chr6:128,883,264, plus strand): 5'-TCCTCTGGCTCCCGAGAAGTGGATCCGGTCGCGGCCACTACGATGCCGGGAGCCGCCGGG[GTCC>G]TCCTCCTTCTGCTGCTCTCCGGAGGCCTCGGGGGCGTACAGGCGCAGCGGCCGCAGCAGC-3'